The following is an entry in ClinVar:

NM_000717.5(CA4):c.107G>T (p.Cys36Phe)

Gene: CA4 (carbonic anhydrase 4; plus strand). Cytogenetic location: 17q23.1.
Variant type: single nucleotide variant.
Coding change: c.107G>T on transcript NM_000717.5 (MANE Select); coding-DNA position 107, G replaced by T.
Protein change: p.Cys36Phe; replaces cysteine 36 with phenylalanine.
Molecular consequence: missense variant. On other transcripts: non-coding transcript variant (1).
Genome position (GRCh38, 1-based): chr17:60,155,362, G>T. VCF-style: chr17-60155362-G-T. GRCh37 (hg19) VCF-style: chr17-58232723-G-T.
Other names: short protein forms C36F.
Identifiers: ClinVar variation 2430573 (VCV002430573.1), dbSNP rs1460710038, ClinGen allele CA400450564.

ClinVar aggregate classification (germline): Uncertain significance (1 of 4 stars; one submission).

Allele frequency attached by ClinVar (database versions not stated): gnomAD exomes 0.00001.

Submission:

GeneDx
Classification: Uncertain significance. Last evaluated: 2022-08-24. Review status: criteria provided, single submitter. Criteria: GeneDx Variant Classification Process June 2021. Collection method: clinical testing. Allele origin: germline. Affected: yes.
Comment: Not observed at significant frequency in large population cohorts (gnomAD); In silico analysis supports that this missense variant has a deleterious effect on protein structure/function; Has not been previously published as pathogenic or benign to our knowledge